The following is an entry in ClinVar:

ClinVar aggregate classification (germline): Benign/Likely benign. Review status: criteria provided, multiple submitters, no conflicts (2 of 4 stars). 4 submissions from 4 submitters: Benign (1); Likely benign (3). Last evaluated 2025-12-21.

Allele frequency attached by ClinVar (database versions not stated): TOPMed 0.00011; gnomAD 0.00012 and 0.00027; gnomAD exomes 0.00062 and 0.00075; ExAC 0.00091; 1000 Genomes Project 30x 0.00109; 1000 Genomes Project 0.00140.
gnomAD v4.1: 898 of 1,595,586 alleles (0.056%); highest among the groups gnomAD compares: East Asian, 2%; 16 homozygotes.

Submissions (4):

Labcorp Genetics (formerly Invitae), Labcorp
Classification: Benign. Last evaluated: 2025-12-21. Review status: criteria provided, single submitter. Criteria: Invitae Variant Classification Sherloc (09022015). Collection method: clinical testing. Allele origin: germline.

Blueprint Genetics
Classification: Likely benign. Last evaluated: 2024-11-18. Review status: criteria provided, single submitter. Criteria: ACMG Guidelines, 2015. Collection method: clinical testing. Allele origin: germline.

GeneDx
Classification: Likely benign. Last evaluated: 2017-03-10. Review status: criteria provided, single submitter. Criteria: GeneDx Variant Classification (06012015). Collection method: clinical testing. Allele origin: germline. Affected: yes.
Comment: This variant is considered likely benign or benign based on one or more of the following criteria: it is a conservative change, it occurs at a poorly conserved position in the protein, it is predicted to be benign by multiple in silico algorithms, and/or has population frequency not consistent with disease.

Breakthrough Genomics
Classification: Likely benign. Review status: criteria provided, single submitter. Criteria: ACMG Guidelines, 2015. Collection method: not provided. Allele origin: germline. Inheritance: Autosomal recessive inheritance. Affected: yes.

NM_032620.4(GTPBP3):c.150G>T (p.Val50=)

Gene: GTPBP3 (GTP binding protein 3, mitochondrial; plus strand). Cytogenetic location: 19p13.11.
Variant type: single nucleotide variant.
Coding change: c.150G>T on transcript NM_032620.4 (MANE Select); coding-DNA position 150, G replaced by T.
Protein change: p.Val50=; no amino-acid change (valine 50 retained).
Molecular consequence: synonymous variant.
Genome position (GRCh38, 1-based): chr19:17,338,104, G>T. VCF-style: chr19-17338104-G-T. GRCh37 (hg19) VCF-style: chr19-17448913-G-T.
Other names: c.150G>T, p.Val50= (NM_001128855.3, NM_133644.4); c.216G>T, p.Val72= (NM_001195422.1).
Identifiers: ClinVar variation 507810 (VCV000507810.12), dbSNP rs201061021, ClinGen allele CA9293244.